The following is an entry in ClinVar:

NM_015205.3(ATP11A):c.2332G>A (p.Gly778Ser)

Gene: ATP11A (ATPase phospholipid transporting 11A; plus strand). Cytogenetic location: 13q34.
Variant type: single nucleotide variant.
Coding change: c.2332G>A on transcript NM_015205.3 (MANE Select); coding-DNA position 2332, G replaced by A.
Protein change: p.Gly778Ser; replaces glycine 778 with serine.
Molecular consequence: missense variant.
Genome position (GRCh38, 1-based): chr13:112,855,999, G>A. VCF-style: chr13-112855999-G-A. GRCh37 (hg19) VCF-style: chr13-113510313-G-A.
Other names: c.2332G>A, p.Gly778Ser (NM_001405661.1, NM_001405662.1, NM_001405663.1 and 1 more transcripts); short protein forms G778S.
Identifiers: ClinVar variation 3804220 (VCV003804220.2).

ClinVar aggregate classification (germline): Conflicting classifications of pathogenicity. Review status: criteria provided, conflicting classifications (1 of 4 stars). 2 submissions from 2 submitters: Uncertain significance (1); Likely benign (1). Last evaluated 2025-12-01.

Conditions:
ATP11A-related disorder. Also called: ATP11A-related condition.
Inborn genetic diseases. Identifiers: MedGen C0950123, MeSH D030342.

gnomAD v4.1: 83 of 1,614,190 alleles (0.0051%); highest among the groups gnomAD compares: Non-Finnish European, 0.0065%; no homozygotes.

Submissions (2):

PreventionGenetics, part of Exact Sciences
Classification: Uncertain significance for ATP11A-related condition. Last evaluated: 2025-12-01. Review status: criteria provided, single submitter. Criteria: ACMG Guidelines, 2015. Collection method: clinical testing. Allele origin: germline.
Comment: The ATP11A c.2332G>A variant is predicted to result in the amino acid substitution p.Gly778Ser. To our knowledge, this variant has not been reported in the literature. This variant is reported in 0.0062% of alleles in individuals of African descent in gnomAD. At this time, the clinical significance of this variant is uncertain due to the absence of conclusive functional and genetic evidence.

Ambry Genetics
Classification: Likely benign for Inborn genetic diseases. Last evaluated: 2025-02-11. Review status: criteria provided, single submitter. Criteria: Ambry Variant Classification Scheme 2023. Collection method: clinical testing. Allele origin: germline.